The following is an entry in ClinVar:

NM_000038.6(APC):c.5192C>T (p.Ala1731Val)

Gene: APC (APC regulator of Wnt signaling pathway; plus strand). Cytogenetic location: 5q22.2.
Variant type: single nucleotide variant.
Coding change: c.5192C>T on transcript NM_000038.6 (MANE Select); coding-DNA position 5192, C replaced by T.
Protein change: p.Ala1731Val; replaces alanine 1731 with valine.
Molecular consequence: missense variant. On other transcripts: non-coding transcript variant (2).
Genome position (GRCh38, 1-based): chr5:112,840,786, C>T. VCF-style: chr5-112840786-C-T. GRCh37 (hg19) VCF-style: chr5-112176483-C-T.
Other names: c.5192C>T, p.Ala1731Val (NM_001127510.3, NM_001354895.2, NM_001407450.1); c.5138C>T, p.Ala1713Val (NM_001127511.3); c.5246C>T, p.Ala1749Val (NM_001354896.2, NM_001407447.1, NM_001407448.1 and 1 more transcripts); c.5222C>T, p.Ala1741Val (NM_001354897.2); c.5117C>T, p.Ala1706Val (NM_001354898.2); c.5108C>T, p.Ala1703Val (NM_001354899.2); c.5069C>T, p.Ala1690Val (NM_001354900.2); c.5015C>T, p.Ala1672Val (NM_001354901.2, NM_001407453.1); and 12 more; short protein forms A1448V, A1571V, A1630V, A1741V, A1602V, A1605V, A1640V, A1648V.
Identifiers: ClinVar variation 3014066 (VCV003014066.4), dbSNP rs876659661, ClinGen allele CA16032680.
Genomic context (GRCh38, chr5:112,840,786, plus strand): 5'-CTGAATTGGATGACAATAAAGCAGAGGAAGGTGATATTCTTGCAGAATGCATTAATTCTG[C>T]TATGCCCAAAGGGAAAAGTCACAAGCCTTTCCGTGTGAAAAAGATAATGGACCAGGTCCA-3'
Protein context (NP_000029.2, residues 1721-1741): GDILAECINS[Ala1731Val]MPKGKSHKPF

ClinVar aggregate classification (germline): Uncertain significance. Review status: criteria provided, multiple submitters, no conflicts (2 of 4 stars). 2 submissions from 2 submitters: Uncertain significance (2). Last evaluated 2025-10-19.

Conditions:
Hereditary cancer-predisposing syndrome. Also called: Neoplastic Syndromes, Hereditary; Tumor predisposition; Hereditary neoplastic syndrome; Hereditary Cancer Syndrome. Identifiers: Orphanet 140162, MedGen C0027672, MeSH D009386, MONDO:0015356.
Familial adenomatous polyposis 1 (FAP1). Also called: FAMILIAL ADENOMATOUS POLYPOSIS 1, ATTENUATED; POLYPOSIS, ADENOMATOUS INTESTINAL. Identifiers: MedGen C2713442, MONDO:0021056, OMIM 175100. Disease mechanism: loss of function.

Allele frequency attached by ClinVar (database versions not stated): TOPMed below 0.00001.

Submissions (2):

Ambry Genetics
Classification: Uncertain significance for Hereditary cancer-predisposing syndrome. Last evaluated: 2025-10-19. Review status: criteria provided, single submitter. Criteria: Ambry Variant Classification Scheme 2023. Collection method: clinical testing. Allele origin: germline.
Comment: The p.A1731V variant (also known as c.5192C>T), located in coding exon 15 of the APC gene, results from a C to T substitution at nucleotide position 5192. The alanine at codon 1731 is replaced by valine, an amino acid with similar properties. This amino acid position is conserved. In addition, in silico predictors for this gene do not accurately predict pathogenicity. Based on the available evidence, the clinical significance of this variant remains unclear.

Labcorp Genetics (formerly Invitae), Labcorp
Classification: Uncertain significance for Familial adenomatous polyposis 1. Last evaluated: 2023-01-09. Review status: criteria provided, single submitter. Criteria: Invitae Variant Classification Sherloc (09022015). Collection method: clinical testing. Allele origin: germline.
Comment: In summary, the available evidence is currently insufficient to determine the role of this variant in disease. Therefore, it has been classified as a Variant of Uncertain Significance. Advanced modeling of protein sequence and biophysical properties (such as structural, functional, and spatial information, amino acid conservation, physicochemical variation, residue mobility, and thermodynamic stability) performed at Invitae indicates that this missense variant is not expected to disrupt APC protein function. This variant has not been reported in the literature in individuals affected with APC-related conditions. This variant is not present in population databases (gnomAD no frequency). This sequence change replaces alanine, which is neutral and non-polar, with valine, which is neutral and non-polar, at codon 1731 of the APC protein (p.Ala1731Val).